The following is an entry in ClinVar:

ClinVar aggregate classification (germline): Uncertain significance (1 of 4 stars; one submission).

Submission:

Labcorp Genetics (formerly Invitae), Labcorp
Classification: Uncertain significance. Last evaluated: 2021-02-09. Review status: criteria provided, single submitter. Criteria: Invitae Variant Classification Sherloc (09022015). Collection method: clinical testing. Allele origin: germline.
Comment: This sequence change replaces proline with serine at codon 89 of the POC1B protein (p.Pro89Ser). The proline residue is moderately conserved and there is a moderate physicochemical difference between proline and serine. In summary, the available evidence is currently insufficient to determine the role of this variant in disease. Therefore, it has been classified as a Variant of Uncertain Significance. Advanced modeling of protein sequence and biophysical properties (such as structural, functional, and spatial information, amino acid conservation, physicochemical variation, residue mobility, and thermodynamic stability) performed at Invitae indicates that this missense variant is not expected to disrupt POC1B protein function. This variant has not been reported in the literature in individuals with POC1B-related conditions. This variant is not present in population databases (ExAC no frequency).

NM_172240.3(POC1B):c.265C>T (p.Pro89Ser)

Genes: POC1B (POC1 centriolar protein B; minus strand), POC1B-DUSP6 (POC1B-DUSP6 readthrough; minus strand). Cytogenetic location: 12q21.33.
Variant type: single nucleotide variant.
Coding change: c.265C>T on transcript NM_172240.3 (MANE Select); coding-DNA position 265, C replaced by T.
Protein change: p.Pro89Ser; replaces proline 89 with serine.
Molecular consequence: missense variant.
Genome position (GRCh38, 1-based): chr12:89,497,178, G>A on the plus strand (C>T on the coding strand, the complement: POC1B is on the minus strand). VCF-style: chr12-89497178-G-A. GRCh37 (hg19) VCF-style: chr12-89890955-G-A.
Other names: c.139C>T, p.Pro47Ser (NM_001199777.2); short protein forms P89S, P47S.
Identifiers: ClinVar variation 1429320 (VCV001429320.8), dbSNP rs2135743126, ClinGen allele CA385993191.